The following is an entry in ClinVar:

NM_018896.5(CACNA1G):c.3381G>A (p.Glu1127=)

Gene: CACNA1G (calcium voltage-gated channel subunit alpha1 G; plus strand). Cytogenetic location: 17q21.33.
Variant type: single nucleotide variant.
Coding change: c.3381G>A on transcript NM_018896.5 (MANE Select); coding-DNA position 3381, G replaced by A.
Protein change: p.Glu1127=; no amino-acid change (glutamic acid 1127 retained).
Molecular consequence: synonymous variant. On other transcripts: non-coding transcript variant (5).
Genome position (GRCh38, 1-based): chr17:50,599,550, G>A. VCF-style: chr17-50599550-G-A. GRCh37 (hg19) VCF-style: chr17-48676911-G-A.
Other names: c.3381G>A, p.Glu1127= (NM_001256324.2, NM_001256325.2, NM_001256326.2 and 16 more transcripts); c.3312G>A, p.Glu1104= (NM_001256332.2, NM_198376.3, NM_198379.3 and 5 more transcripts).
Identifiers: ClinVar variation 2647913 (VCV002647913.24), dbSNP rs2545422732, ClinGen allele CA500999294.

ClinVar aggregate classification (germline): Likely benign (1 of 4 stars; one submission).

Allele frequency attached by ClinVar (database versions not stated): gnomAD exomes below 0.00001.
gnomAD v4.1: 1 of 1,612,888 alleles (0.000062%); highest among the groups gnomAD compares: Non-Finnish European, 0.000085%; no homozygotes.

Submission:

CeGaT Center for Human Genetics Tuebingen
Classification: Likely benign. Last evaluated: 2022-11-01. Review status: criteria provided, single submitter. Criteria: CeGaT Center For Human Genetics Tuebingen Variant Classification Criteria Version 2. Collection method: clinical testing. Allele origin: germline. Affected: yes. Observed: 1 variant allele.
Comment: CACNA1G: PM2:Supporting, BP4, BP7